The following is an entry in ClinVar:

ClinVar aggregate classification (germline): Uncertain significance (1 of 4 stars; one submission).

Submission:

Women's Health and Genetics/Laboratory Corporation of America, LabCorp
Classification: Uncertain significance. Last evaluated: 2025-12-31. Review status: criteria provided, single submitter. Criteria: LabCorp Variant Classification Summary - May 2015. Collection method: clinical testing. Allele origin: germline.
Comment: Variant summary: PIGN c.1748G>T (p.Arg583Leu) results in a non-conservative amino acid change in the encoded protein sequence. Algorithms developed to predict the effect of missense changes on protein structure and function are either unavailable or do not agree on the potential impact of this missense change. The variant was absent in 237292 control chromosomes. The available data on variant occurrences in the general population are insufficient to allow any conclusion about variant significance. To our knowledge, no occurrence of c.1748G>T in individuals affected with PIGN-related conditions and no experimental evidence demonstrating its impact on protein function have been reported. No submitters have cited clinical-significance assessments for this variant to ClinVar. Based on the evidence outlined above, the variant was classified as uncertain significance.

NM_176787.5(PIGN):c.1748G>T (p.Arg583Leu)

Gene: PIGN (phosphatidylinositol glycan anchor biosynthesis class N; minus strand). Cytogenetic location: 18q21.33.
Variant type: single nucleotide variant.
Coding change: c.1748G>T on transcript NM_176787.5 (MANE Select); coding-DNA position 1748, G replaced by T.
Protein change: p.Arg583Leu; replaces arginine 583 with leucine.
Molecular consequence: missense variant.
Genome position (GRCh38, 1-based): chr18:62,106,808, C>A on the plus strand (G>T on the coding strand, the complement: PIGN is on the minus strand). VCF-style: chr18-62106808-C-A. GRCh37 (hg19) VCF-style: chr18-59774041-C-A.
Other names: c.1748G>T, p.Arg583Leu (NM_001438896.1, NM_001438904.1, NM_001438905.1 and 1 more transcripts); c.1346G>T, p.Arg449Leu (NM_001438910.1); short protein forms R449L, R583L.
Identifiers: ClinVar variation 4688746 (VCV004688746.1).